The following is an entry in ClinVar:

NM_002691.4(POLD1):c.1605G>A (p.Met535Ile)

Gene: POLD1 (DNA polymerase delta 1, catalytic subunit; plus strand). Cytogenetic location: 19q13.33.
Variant type: single nucleotide variant.
Coding change: c.1605G>A on transcript NM_002691.4 (MANE Select); coding-DNA position 1605, G replaced by A.
Protein change: p.Met535Ile; replaces methionine 535 with isoleucine.
Molecular consequence: missense variant. On other transcripts: non-coding transcript variant (1).
Genome position (GRCh38, 1-based): chr19:50,407,093, G>A. VCF-style: chr19-50407093-G-A. GRCh37 (hg19) VCF-style: chr19-50910350-G-A.
Other names: c.1605G>A, p.Met535Ile (NM_001256849.1, NM_001308632.1); short protein forms M535I.
Identifiers: ClinVar variation 947287 (VCV000947287.13), dbSNP rs1555791404, ClinGen allele CA406980957.
Genomic context (GRCh38, chr19:50,407,093, plus strand): 5'-TGCCTACCTGCCACTGCGGCTGCTGGAGCGGCTCATGGTGCTGGTGAACGCCGTGGAGAT[G>A]GCGAGGGTCACTGGCGTGCCCCTCAGCTACCTGCTCAGTCGTGGCCAGCAGGTCAAGGTC-3'
Protein context (NP_002682.2, residues 525-545): RLMVLVNAVE[Met535Ile]ARVTGVPLSY

ClinVar aggregate classification (germline): Uncertain significance. Review status: criteria provided, multiple submitters, no conflicts (2 of 4 stars). 2 submissions from 2 submitters: Uncertain significance (2). Last evaluated 2024-06-01.

Conditions:
POLD1-related polyposis and colorectal cancer syndrome (CRCS10). Also called: Colorectal cancer 10; COLORECTAL CANCER, SUSCEPTIBILITY TO, ON CHROMOSOME 19q; Colorectal cancer, susceptibility to, 10. Identifiers: Orphanet 220460, MedGen C2675481, MONDO:0012953, OMIM 612591.
Hereditary cancer-predisposing syndrome. Also called: Hereditary neoplastic syndrome; Tumor predisposition; Neoplastic Syndromes, Hereditary; Hereditary Cancer Syndrome. Identifiers: Orphanet 140162, MedGen C0027672, MeSH D009386, MONDO:0015356.

Submissions (2):

Ambry Genetics
Classification: Uncertain significance for Hereditary cancer-predisposing syndrome. Last evaluated: 2024-06-01. Review status: criteria provided, single submitter. Criteria: Ambry Variant Classification Scheme 2023. Collection method: clinical testing. Allele origin: germline.
Comment: The p.M535I variant (also known as c.1605G>A), located in coding exon 12 of the POLD1 gene, results from a G to A substitution at nucleotide position 1605. The methionine at codon 535 is replaced by isoleucine, an amino acid with highly similar properties. This amino acid position is highly conserved in available vertebrate species. In addition, the in silico prediction for this alteration is inconclusive. Since supporting evidence is limited at this time, the clinical significance of this alteration remains unclear.

Labcorp Genetics (formerly Invitae), Labcorp
Classification: Uncertain significance for POLD1-related polyposis and colorectal cancer syndrome. Last evaluated: 2019-10-26. Review status: criteria provided, single submitter. Criteria: Invitae Variant Classification Sherloc (09022015). Collection method: clinical testing. Allele origin: germline.
Comment: In summary, the available evidence is currently insufficient to determine the role of this variant in disease. Therefore, it has been classified as a Variant of Uncertain Significance. Algorithms developed to predict the effect of missense changes on protein structure and function are either unavailable or do not agree on the potential impact of this missense change (SIFT: "Deleterious"; PolyPhen-2: "Possibly Damaging"; Align-GVGD: "Class C0"). This variant has not been reported in the literature in individuals with POLD1-related conditions. This variant is not present in population databases (ExAC no frequency). This sequence change replaces methionine with isoleucine at codon 535 of the POLD1 protein (p.Met535Ile). The methionine residue is highly conserved and there is a small physicochemical difference between methionine and isoleucine.